The following is an entry in ClinVar:

ClinVar aggregate classification (germline): Uncertain significance (1 of 4 stars; one submission).

Submission:

CeGaT Center for Human Genetics Tuebingen
Classification: Uncertain significance. Last evaluated: 2026-04-01. Review status: criteria provided, single submitter. Criteria: CeGaT Center For Human Genetics Tuebingen Variant Classification Criteria Version 2. Collection method: clinical testing. Allele origin: germline. Affected: yes. Observed: 1 variant allele.
Comment: SCN4A: PM2

NM_000334.4(SCN4A):c.4138C>T (p.Leu1380Phe)

Genes: GH-LCR (growth hormone locus control region; plus strand), SCN4A (sodium voltage-gated channel alpha subunit 4; minus strand). Cytogenetic location: 17q23.3.
Variant type: single nucleotide variant.
Coding change: c.4138C>T on transcript NM_000334.4 (MANE Select); coding-DNA position 4138, C replaced by T.
Protein change: p.Leu1380Phe; replaces leucine 1380 with phenylalanine.
Molecular consequence: missense variant.
Genome position (GRCh38, 1-based): chr17:63,942,976, G>A on the plus strand (C>T on the coding strand, the complement: SCN4A is on the minus strand). VCF-style: chr17-63942976-G-A. GRCh37 (hg19) VCF-style: chr17-62020336-G-A.
Other names: short protein forms L1380F.
Identifiers: ClinVar variation 4874625 (VCV004874625.2).